The following is an entry in ClinVar:

ClinVar aggregate classification (germline): Uncertain significance. Review status: criteria provided, multiple submitters, no conflicts (2 of 4 stars). 2 submissions from 2 submitters: Uncertain significance (2). Last evaluated 2024-09-25.

Conditions:
Mitochondrial complex II deficiency, nuclear type 1. Also called: SUCCINATE CoQ REDUCTASE DEFICIENCY. Identifiers: Orphanet 3208, MedGen C5700310, MONDO:0100294, OMIM 252011.
Pheochromocytoma/paraganglioma syndrome 5. Also called: Paragangliomas 5; SDHA-Related Hereditary Paraganglioma-Pheochromocytoma Syndrome. Identifiers: Orphanet 29072, MedGen C3279992, MONDO:0013602, OMIM 614165.
Hereditary cancer-predisposing syndrome. Also called: Neoplastic Syndromes, Hereditary; Hereditary Cancer Syndrome; Hereditary neoplastic syndrome; Tumor predisposition. Identifiers: Orphanet 140162, MedGen C0027672, MeSH D009386, MONDO:0015356.

Allele frequency attached by ClinVar (database versions not stated): TOPMed 0.00001.

Submissions (2):

Labcorp Genetics (formerly Invitae), Labcorp
Classification: Uncertain significance for Pheochromocytoma/paraganglioma syndrome 5; Mitochondrial complex II deficiency, nuclear type 1. Last evaluated: 2024-09-25. Review status: criteria provided, single submitter. Criteria: Invitae Variant Classification Sherloc (09022015). Collection method: clinical testing. Allele origin: germline.
Comment: This sequence change replaces isoleucine, which is neutral and non-polar, with threonine, which is neutral and polar, at codon 317 of the SDHA protein (p.Ile317Thr). This variant is not present in population databases (gnomAD no frequency). This variant has not been reported in the literature in individuals affected with SDHA-related conditions. ClinVar contains an entry for this variant (Variation ID: 1484195). Invitae Evidence Modeling of protein sequence and biophysical properties (such as structural, functional, and spatial information, amino acid conservation, physicochemical variation, residue mobility, and thermodynamic stability) indicates that this missense variant is not expected to disrupt SDHA protein function with a negative predictive value of 95%. In summary, the available evidence is currently insufficient to determine the role of this variant in disease. Therefore, it has been classified as a Variant of Uncertain Significance.

Ambry Genetics
Classification: Uncertain significance for Hereditary cancer-predisposing syndrome. Last evaluated: 2024-09-08. Review status: criteria provided, single submitter. Criteria: Ambry Variant Classification Scheme 2023. Collection method: clinical testing. Allele origin: germline.
Comment: The p.I317T variant (also known as c.950T>C), located in coding exon 8 of the SDHA gene, results from a T to C substitution at nucleotide position 950. The isoleucine at codon 317 is replaced by threonine, an amino acid with similar properties. This amino acid position is conserved. In addition, this alteration is predicted to be deleterious by in silico analysis. Based on the available evidence, the clinical significance of this variant remains unclear.

NM_004168.4(SDHA):c.950T>C (p.Ile317Thr)

Gene: SDHA (succinate dehydrogenase complex flavoprotein subunit A; plus strand). Cytogenetic location: 5p15.33.
Variant type: single nucleotide variant.
Coding change: c.950T>C on transcript NM_004168.4 (MANE Select); coding-DNA position 950, T replaced by C.
Protein change: p.Ile317Thr; replaces isoleucine 317 with threonine.
Molecular consequence: missense variant.
Genome position (GRCh38, 1-based): chr5:233,531, T>C. VCF-style: chr5-233531-T-C. GRCh37 (hg19) VCF-style: chr5-233646-T-C.
Other names: c.806T>C, p.Ile269Thr (NM_001294332.2); c.950T>C, p.Ile317Thr (NM_001330758.2); c.950T>C (NM_004168.2); short protein forms I317T, I269T.
Identifiers: ClinVar variation 1484195 (VCV001484195.7), dbSNP rs903136919, ClinGen allele CA112824348.